The following is an entry in ClinVar:

ClinVar aggregate classification (germline): Uncertain significance. Review status: criteria provided, multiple submitters, no conflicts (2 of 4 stars). 2 submissions from 2 submitters: Uncertain significance (2). Last evaluated 2024-04-07.

Allele frequency attached by ClinVar (database versions not stated): gnomAD exomes below 0.00001.
gnomAD v4.1: 1 of 1,530,512 alleles (0.000065%); highest among the groups gnomAD compares: Non-Finnish European, 0.000088%; no homozygotes.

Submissions (2):

Labcorp Genetics (formerly Invitae), Labcorp
Classification: Uncertain significance. Last evaluated: 2024-04-07. Review status: criteria provided, single submitter. Criteria: Invitae Variant Classification Sherloc (09022015). Collection method: clinical testing. Allele origin: germline.
Comment: This sequence change replaces proline, which is neutral and non-polar, with leucine, which is neutral and non-polar, at codon 637 of the KMT2B protein (p.Pro637Leu). This variant is not present in population databases (gnomAD no frequency). This variant has not been reported in the literature in individuals affected with KMT2B-related conditions. ClinVar contains an entry for this variant (Variation ID: 1704674). Advanced modeling of protein sequence and biophysical properties (such as structural, functional, and spatial information, amino acid conservation, physicochemical variation, residue mobility, and thermodynamic stability) has been performed at Invitae for this missense variant, however the output from this modeling did not meet the statistical confidence thresholds required to predict the impact of this variant on KMT2B protein function. In summary, the available evidence is currently insufficient to determine the role of this variant in disease. Therefore, it has been classified as a Variant of Uncertain Significance.

GeneDx
Classification: Uncertain significance. Last evaluated: 2022-03-08. Review status: criteria provided, single submitter. Criteria: GeneDx Variant Classification Process June 2021. Collection method: clinical testing. Allele origin: germline. Affected: yes.
Comment: Has not been previously published as pathogenic or benign to our knowledge; Not observed at significant frequency in large population cohorts (gnomAD); In silico analysis supports that this missense variant does not alter protein structure/function

NM_014727.3(KMT2B):c.1910C>T (p.Pro637Leu)

Gene: KMT2B (lysine methyltransferase 2B; plus strand). Cytogenetic location: 19q13.12.
Variant type: single nucleotide variant.
Coding change: c.1910C>T on transcript NM_014727.3 (MANE Select); coding-DNA position 1910, C replaced by T.
Protein change: p.Pro637Leu; replaces proline 637 with leucine.
Molecular consequence: missense variant.
Genome position (GRCh38, 1-based): chr19:35,721,257, C>T. VCF-style: chr19-35721257-C-T. GRCh37 (hg19) VCF-style: chr19-36212159-C-T.
Other names: short protein forms P637L.
Identifiers: ClinVar variation 1704674 (VCV001704674.4), dbSNP rs1969192283, ClinGen allele CA405394702.